The following is an entry in ClinVar:

ClinVar aggregate classification (germline): Uncertain significance (0 of 4 stars; one submission).

Conditions:
MED13L-related disorder. Also called: MED13L-related condition.

Submission:

PreventionGenetics, part of Exact Sciences
Classification: Uncertain significance for MED13L-related condition. Last evaluated: 2024-03-20. Review status: no assertion criteria provided. Collection method: clinical testing. Allele origin: germline.
Comment: The MED13L c.1541A>G variant is predicted to result in the amino acid substitution p.Asp514Gly. To our knowledge, this variant has not been reported in the literature or in a large population database, indicating this variant is rare. At this time, the clinical significance of this variant is uncertain due to the absence of conclusive functional and genetic evidence.

NM_015335.5(MED13L):c.1541A>G (p.Asp514Gly)

Gene: MED13L (mediator complex subunit 13L; minus strand). Cytogenetic location: 12q24.21.
Variant type: single nucleotide variant.
Coding change: c.1541A>G on transcript NM_015335.5 (MANE Select); coding-DNA position 1541, A replaced by G.
Protein change: p.Asp514Gly; replaces aspartic acid 514 with glycine.
Molecular consequence: missense variant.
Genome position (GRCh38, 1-based): chr12:116,008,872, T>C on the plus strand (A>G on the coding strand, the complement: MED13L is on the minus strand). VCF-style: chr12-116008872-T-C. GRCh37 (hg19) VCF-style: chr12-116446677-T-C.
Other names: short protein forms D514G.
Identifiers: ClinVar variation 3348530 (VCV003348530.1).